The following is an entry in ClinVar:

ClinVar aggregate classification (germline): Uncertain significance (1 of 4 stars; one submission).

gnomAD v4.1: 1 of 1,611,336 alleles (0.000062%); highest among the groups gnomAD compares: African/African-American, 0.0013%; no homozygotes.

Submission:

GeneDx
Classification: Uncertain significance. Last evaluated: 2025-06-03. Review status: criteria provided, single submitter. Criteria: GeneDx Variant Classification Process June 2021. Collection method: clinical testing. Allele origin: germline. Affected: yes.
Comment: Not observed at significant frequency in large population cohorts (gnomAD); In silico analysis supports that this missense variant has a deleterious effect on protein structure/function; Has not been previously published as pathogenic or benign to our knowledge

NM_015114.3(ANKLE2):c.1252T>C (p.Phe418Leu)

Gene: ANKLE2 (ankyrin repeat and LEM domain containing 2; minus strand). Cytogenetic location: 12q24.33.
Variant type: single nucleotide variant.
Coding change: c.1252T>C on transcript NM_015114.3 (MANE Select); coding-DNA position 1252, T replaced by C.
Protein change: p.Phe418Leu; replaces phenylalanine 418 with leucine.
Molecular consequence: missense variant.
Genome position (GRCh38, 1-based): chr12:132,743,255, A>G on the plus strand (T>C on the coding strand, the complement: ANKLE2 is on the minus strand). VCF-style: chr12-132743255-A-G. GRCh37 (hg19) VCF-style: chr12-133319841-A-G.
Other names: short protein forms F418L.
Identifiers: ClinVar variation 4536532 (VCV004536532.1).
Genomic context (GRCh38, chr12:132,743,255, plus strand): 5'-CAATCAAATGGTGTGACGAAAGCACGTTGACTACATCTGCATTTCCAAACTTACAAGCAA[A>G]ATGCAACGGTGTGTCATAGCCCTGAAAAAAGGTGCAGAGGAAGTACAATTATTCACACTT-3'
Protein context (NP_055929.1, residues 408-428): DKMGYDTPLH[Phe418Leu]ACKFGNADVV